The following is an entry in ClinVar:

NM_001277115.2(DNAH11):c.7441-19A>G

Gene: DNAH11 (dynein axonemal heavy chain 11; plus strand). Cytogenetic location: 7p15.3.
Variant type: single nucleotide variant.
Coding change: c.7441-19A>G on transcript NM_001277115.2 (MANE Select); 19 bases into the intron before coding-DNA position 7441, A replaced by G.
Molecular consequence: intron variant.
Genome position (GRCh38, 1-based): chr7:21,735,621, A>G. VCF-style: chr7-21735621-A-G. GRCh37 (hg19) VCF-style: chr7-21775239-A-G.
Identifiers: ClinVar variation 257928 (VCV000257928.12), dbSNP rs10247099, ClinGen allele CA4181226.

ClinVar aggregate classification (germline): Conflicting classifications of pathogenicity. Review status: criteria provided, conflicting classifications (1 of 4 stars). 4 submissions from 4 submitters: Uncertain significance (1); Benign (3). Last evaluated 2026-01-24.

Conditions:
Primary ciliary dyskinesia. Also called: Ciliary dyskinesia. Identifiers: Orphanet 244, MedGen C0008780, MONDO:0016575, HP:0012265.
Primary ciliary dyskinesia 7. Also called: CILIARY DYSKINESIA, PRIMARY, 7, WITH OR WITHOUT SITUS INVERSUS. Identifiers: Orphanet 244, MedGen C2678473, MONDO:0012748, OMIM 611884.

Allele frequency attached by ClinVar (database versions not stated): 1000 Genomes Project 0.00559; 1000 Genomes Project 30x 0.00687; gnomAD 0.00707; ESP Exome Variant Server 0.00772; TOPMed 0.00829.
gnomAD v4.1: 2,252 of 1,559,458 alleles (0.14%); highest among the groups gnomAD compares: African/African-American, 2.8%; 34 homozygotes.

Submissions (4):

Labcorp Genetics (formerly Invitae), Labcorp
Classification: Benign for Primary ciliary dyskinesia. Last evaluated: 2026-01-24. Review status: criteria provided, single submitter. Criteria: Invitae Variant Classification Sherloc (09022015). Collection method: clinical testing. Allele origin: germline.

ARUP Laboratories, Molecular Genetics and Genomics, ARUP Laboratories
Classification: Benign for Primary ciliary dyskinesia 7. Last evaluated: 2024-06-10. Review status: criteria provided, single submitter. Criteria: ARUP Molecular Germline Variant Investigation Process 2024. Collection method: clinical testing. Allele origin: germline.

Ambry Genetics
Classification: Uncertain significance for Primary ciliary dyskinesia. Last evaluated: 2015-08-12. Review status: criteria provided, single submitter. Criteria: Ambry Variant Classification Scheme 2023. Collection method: clinical testing. Allele origin: germline.
Comment: The c.7441-19A>G intronic alteration consists of a A to G substitution 19 nucleotides before coding exon 46 in the DNAH11 gene. Based on insufficient or conflicting evidence, the clinical significance of this alteration remains unclear.

PreventionGenetics, part of Exact Sciences
Classification: Benign. Review status: criteria provided, single submitter. Criteria: ACMG Guidelines, 2015. Collection method: clinical testing. Allele origin: germline.